The following is an entry in ClinVar:

ClinVar aggregate classification (germline): Uncertain significance (1 of 4 stars; one submission).

Conditions:
RASopathy. Also called: Noonan spectrum disorder; rasopathies. Identifiers: Orphanet 536391, MedGen C5555857, MONDO:0021060.

Allele frequency attached by ClinVar (database versions not stated): gnomAD exomes below 0.00001; ExAC 0.00001.

Submission:

Labcorp Genetics (formerly Invitae), Labcorp
Classification: Uncertain significance for RASopathy. Last evaluated: 2024-04-01. Review status: criteria provided, single submitter. Criteria: Invitae Variant Classification Sherloc (09022015). Collection method: clinical testing. Allele origin: germline.
Comment: This sequence change replaces serine, which is neutral and polar, with asparagine, which is neutral and polar, at codon 576 of the PTPN11 protein (p.Ser576Asn). This variant is not present in population databases (gnomAD no frequency). This variant has not been reported in the literature in individuals affected with PTPN11-related conditions. ClinVar contains an entry for this variant (Variation ID: 2181639). Advanced modeling of protein sequence and biophysical properties (such as structural, functional, and spatial information, amino acid conservation, physicochemical variation, residue mobility, and thermodynamic stability) performed at Invitae indicates that this missense variant is not expected to disrupt PTPN11 protein function with a negative predictive value of 95%. In summary, the available evidence is currently insufficient to determine the role of this variant in disease. Therefore, it has been classified as a Variant of Uncertain Significance.

NM_002834.5(PTPN11):c.1727G>A (p.Ser576Asn)

Gene: PTPN11 (protein tyrosine phosphatase non-receptor type 11; plus strand). Cytogenetic location: 12q24.13.
Variant type: single nucleotide variant.
Coding change: c.1727G>A on transcript NM_002834.5 (MANE Select); coding-DNA position 1727, G replaced by A.
Protein change: p.Ser576Asn; replaces serine 576 with asparagine.
Molecular consequence: missense variant.
Genome position (GRCh38, 1-based): chr12:112,504,709, G>A. VCF-style: chr12-112504709-G-A. GRCh37 (hg19) VCF-style: chr12-112942513-G-A.
Other names: c.1739G>A, p.Ser580Asn (NM_001330437.2); c.1724G>A, p.Ser575Asn (NM_001374625.1); short protein forms S575N, S580N, S576N.
Identifiers: ClinVar variation 2181639 (VCV002181639.4), dbSNP rs781006724, ClinGen allele CA6798854.